The following is an entry in ClinVar:

NM_001164508.2(NEB):c.4722C>A (p.Cys1574Ter)

Gene: NEB (nebulin; minus strand). Cytogenetic location: 2q23.3.
Variant type: single nucleotide variant.
Coding change: c.4722C>A on transcript NM_001164508.2 (MANE Select); coding-DNA position 4722, C replaced by A.
Protein change: p.Cys1574Ter; replaces cysteine 1574 with a stop codon.
Molecular consequence: nonsense.
Genome position (GRCh38, 1-based): chr2:151,666,399, G>T on the plus strand (C>A on the coding strand, the complement: NEB is on the minus strand). VCF-style: chr2-151666399-G-T. GRCh37 (hg19) VCF-style: chr2-152522913-G-T.
Other names: c.4722C>A, p.Cys1574Ter (NM_001164507.2, NM_001271208.2, NM_004543.5); short protein forms C1574*.
Identifiers: ClinVar variation 5006095 (VCV005006095.2).

ClinVar aggregate classification (germline): Likely pathogenic (1 of 4 stars; one submission).

Conditions:
Arthrogryposis multiplex congenita 6. Identifiers: MedGen C5543431, MONDO:0030281, OMIM 619334.
Nemaline myopathy 2 (NEM2). Also called: Nemaline myopathy 2, autosomal recessive. Identifiers: MedGen C1850569, MONDO:0009725, OMIM 256030.

Submission:

Juno Genomics, Hangzhou Juno Genomics, Inc
Classification: Likely pathogenic for Nemaline myopathy 2; Arthrogryposis multiplex congenita 6. Review status: criteria provided, single submitter. Criteria: ACMG Guidelines, 2015. Collection method: clinical testing. Allele origin: germline.
Comment: Null variant in a gene where loss of function (LOF) is a known mechanism of disease.;Absent from controls (or at extremely low frequency if recessive) in Genome Aggregation Database.